The following is an entry in ClinVar:

ClinVar aggregate classification (germline): Pathogenic. Review status: reviewed by expert panel (3 of 4 stars). 3 submissions from 3 submitters: Pathogenic (1). 2 of the submissions do not count toward it. Last evaluated 2017-12-15.

Conditions:
Hereditary cancer-predisposing syndrome. Also called: Hereditary Cancer Syndrome; Neoplastic Syndromes, Hereditary; Hereditary neoplastic syndrome; Tumor predisposition. Identifiers: Orphanet 140162, MedGen C0027672, MeSH D009386, MONDO:0015356.
Hereditary breast ovarian cancer syndrome. Also called: Hereditary breast and ovarian cancer syndrome (HBOC); Breast and ovarian cancer; Hereditary breast and ovarian cancer syndrome; Hereditary breast and ovarian cancer; BRCA1- and BRCA2-Associated Hereditary Breast and Ovarian Cancer; Hereditary breast and/or ovarian cancer syndrome. Identifiers: Orphanet 145, MedGen C0677776, MeSH D061325, MONDO:0003582. Disease mechanism: loss of function.
Breast-ovarian cancer, familial, susceptibility to, 1 (BROVCA1). Also called: BRCA1 Hereditary Breast and Ovarian Cancer; OVARIAN CANCER, SUSCEPTIBILITY TO. Identifiers: Orphanet 145, MedGen C2676676, MONDO:0011450, OMIM 604370. Disease mechanism: loss of function.

Submissions (3):

Evidence-based Network for the Interpretation of Germline Mutant Alleles (ENIGMA)
Classification: Pathogenic for Breast-ovarian cancer, familial, susceptibility to, 1. Last evaluated: 2017-12-15. Review status: reviewed by expert panel. Criteria: ENIGMA BRCA1/2 Classification Criteria (2017-06-29). Collection method: curation. Allele origin: germline. Study: ENIGMA.
Comment: Variant allele predicted to encode a truncated non-functional protein.

Ambry Genetics
Classification: Pathogenic for Hereditary cancer-predisposing syndrome. Last evaluated: 2024-04-18. Review status: criteria provided, single submitter. Criteria: Ambry Variant Classification Scheme 2023. Collection method: clinical testing. Allele origin: germline. Not counted in ClinVar's aggregate classification.
Comment: The c.1148delA pathogenic mutation, located in coding exon 9 of the BRCA1 gene, results from a deletion of one nucleotide at nucleotide position 1148, causing a translational frameshift with a predicted alternate stop codon (p.Asn383Metfs*11). This alteration is expected to result in loss of function by premature protein truncation or nonsense-mediated mRNA decay. As such, this alteration is interpreted as a disease-causing mutation.

Labcorp Genetics (formerly Invitae), Labcorp
Classification: Pathogenic for Hereditary breast ovarian cancer syndrome. Last evaluated: 2022-07-12. Review status: criteria provided, single submitter. Criteria: Invitae Variant Classification Sherloc (09022015). Collection method: clinical testing. Allele origin: germline. Not counted in ClinVar's aggregate classification.
Comment: For these reasons, this variant has been classified as Pathogenic. ClinVar contains an entry for this variant (Variation ID: 240770). This variant has not been reported in the literature in individuals affected with BRCA1-related conditions. This variant is not present in population databases (gnomAD no frequency). This sequence change creates a premature translational stop signal (p.Asn383Metfs*11) in the BRCA1 gene. It is expected to result in an absent or disrupted protein product. Loss-of-function variants in BRCA1 are known to be pathogenic (PMID: 20104584).

Literature cited by the submitters: PubMed 20104584 (cited by Labcorp Genetics (formerly Invitae), Labcorp).

NM_007294.4(BRCA1):c.1148del (p.Asn383fs)

Gene: BRCA1 (BRCA1 DNA repair associated; minus strand). Cytogenetic location: 17q21.31.
Variant type: Deletion.
Coding change: c.1148del on transcript NM_007294.4 (MANE Select); coding-DNA position 1148, one base deleted (A; older notation c.1148delA).
Protein change: p.Asn383fs; shifts the reading frame from asparagine 383.
Molecular consequence: frameshift variant. On other transcripts: intron variant (137).
Genome position (GRCh38, 1-based): chr17:43,094,383, T deleted on the plus strand (A on the coding strand, the reverse complement: BRCA1 is on the minus strand); the first of 2 consecutive T bases (chr17:43,094,383-43,094,384); deleting either gives the same sequence. VCF-style (leftmost placement, unchanged base first): chr17-43094382-AT-A. GRCh37 (hg19) VCF-style: chr17-41246399-AT-A.
Other names: c.1148delA (NM_007294.3); c.787+361del (NM_001407982.1, NM_001407970.1, NM_001407980.1 and 19 more transcripts); c.935del, p.Asn312fs (NM_001407571.1, NM_001407853.1, NM_001407894.1 and 9 more transcripts); c.1148del, p.Asn383fs (NM_001407581.1, NM_001407582.1, NM_001407583.1 and 30 more transcripts); c.1145del, p.Asn382fs (NM_001407587.1, NM_001407590.1, NM_001407611.1 and 22 more transcripts); c.1139del, p.Asn380fs (NM_001407646.1, NM_001407647.1); c.1025del, p.Asn342fs (NM_001407648.1, NM_001407664.1, NM_001407665.1 and 19 more transcripts); c.1022del, p.Asn341fs (NM_001407649.1, NM_001407670.1, NM_001407671.1 and 11 more transcripts); and 41 more; short protein forms N383fs, N336fs, N256fs, N272fs, N294fs, N313fs, N341fs, N342fs.
Identifiers: ClinVar variation 240770 (VCV000240770.13), dbSNP rs878854930, ClinGen allele CA10583582.
Genomic context (GRCh38, chr17:43,094,382, plus strand): 5'-AGACTCCCCATCATGTGAGTCATCAGAACCTAACAGTTCATCACTTCTGGAAAACCACTC[AT>A]TAACTTTCTGAATGCTGCTATTTAGTGTTATCCAAGGAACATCTTCAGTATCTCTAGGAT-3'